The following is an entry in ClinVar:

NM_006949.4(STXBP2):c.775A>G (p.Ile259Val)

Gene: STXBP2 (syntaxin binding protein 2; plus strand). Cytogenetic location: 19p13.2.
Variant type: single nucleotide variant.
Coding change: c.775A>G on transcript NM_006949.4 (MANE Select); coding-DNA position 775, A replaced by G.
Protein change: p.Ile259Val; replaces isoleucine 259 with valine.
Molecular consequence: missense variant. On other transcripts: non-coding transcript variant (1).
Genome position (GRCh38, 1-based): chr19:7,642,314, A>G. VCF-style: chr19-7642314-A-G. GRCh37 (hg19) VCF-style: chr19-7707200-A-G.
Other names: c.766A>G, p.Ile256Val (NM_001127396.3); c.808A>G, p.Ile270Val (NM_001272034.2); c.679A>G, p.Ile227Val (NM_001414484.1); short protein forms I256V, I259V, I227V, I270V.
Identifiers: ClinVar variation 2047534 (VCV002047534.3), dbSNP rs1369701135, ClinGen allele CA403158935.

ClinVar aggregate classification (germline): Uncertain significance (1 of 4 stars; one submission).

Conditions:
Familial hemophagocytic lymphohistiocytosis 5. Also called: STXBP2-Related Familial Hemophagocytic Lymphohistiocytosis (STXBP2-fHLH). Identifiers: Orphanet 540, MedGen C2751293, MONDO:0013135, OMIM 613101.

Allele frequency attached by ClinVar (database versions not stated): gnomAD exomes below 0.00001.
gnomAD v4.1: 2 of 1,614,082 alleles (0.00012%); highest among the groups gnomAD compares: Admixed American, 0.0017%; no homozygotes.

Submission:

Labcorp Genetics (formerly Invitae), Labcorp
Classification: Uncertain significance for Familial hemophagocytic lymphohistiocytosis 5. Last evaluated: 2023-04-14. Review status: criteria provided, single submitter. Criteria: Invitae Variant Classification Sherloc (09022015). Collection method: clinical testing. Allele origin: germline.
Comment: Advanced modeling of protein sequence and biophysical properties (such as structural, functional, and spatial information, amino acid conservation, physicochemical variation, residue mobility, and thermodynamic stability) performed at Invitae indicates that this missense variant is not expected to disrupt STXBP2 protein function. In summary, the available evidence is currently insufficient to determine the role of this variant in disease. Therefore, it has been classified as a Variant of Uncertain Significance. ClinVar contains an entry for this variant (Variation ID: 2047534). This sequence change replaces isoleucine, which is neutral and non-polar, with valine, which is neutral and non-polar, at codon 259 of the STXBP2 protein (p.Ile259Val). This variant is present in population databases (no rsID available, gnomAD 0.003%). This variant has not been reported in the literature in individuals affected with STXBP2-related conditions.